The following is an entry in ClinVar:

NM_020361.5(CPA6):c.1298T>G (p.Leu433Arg)

Genes: ARFGEF1-DT (ARFGEF1 divergent transcript; plus strand), CPA6 (carboxypeptidase A6; minus strand). Cytogenetic location: 8q13.2.
Variant type: single nucleotide variant.
Coding change: c.1298T>G on transcript NM_020361.5 (MANE Select); coding-DNA position 1298, T replaced by G.
Protein change: p.Leu433Arg; replaces leucine 433 with arginine.
Molecular consequence: missense variant.
Genome position (GRCh38, 1-based): chr8:67,422,520, A>C on the plus strand (T>G on the coding strand, the complement: CPA6 is on the minus strand). VCF-style: chr8-67422520-A-C. GRCh37 (hg19) VCF-style: chr8-68334755-A-C.
Other names: c.1298T>G (NM_020361.4); short protein forms L433R.
Identifiers: ClinVar variation 1004527 (VCV001004527.9), dbSNP rs1016170417, ClinGen allele CA178406548.

ClinVar aggregate classification (germline): Uncertain significance. Review status: criteria provided, multiple submitters, no conflicts (2 of 4 stars). 2 submissions from 2 submitters: Uncertain significance (2). Last evaluated 2025-01-23.

Conditions:
Febrile seizures, familial, 11 (FEB11). Also called: CONVULSIONS, FAMILIAL FEBRILE, 11. Identifiers: MedGen C3280734, MONDO:0024566, OMIM 614418.

gnomAD v4.1: 4 of 1,613,992 alleles (0.00025%); highest among the groups gnomAD compares: Non-Finnish European, 0.00025%; no homozygotes.

Submissions (2):

Ambry Genetics
Classification: Uncertain significance. Last evaluated: 2025-01-23. Review status: criteria provided, single submitter. Criteria: Ambry Variant Classification Scheme 2023. Collection method: clinical testing. Allele origin: germline.

Labcorp Genetics (formerly Invitae), Labcorp
Classification: Uncertain significance for Febrile seizures, familial, 11. Last evaluated: 2020-02-27. Review status: criteria provided, single submitter. Criteria: Invitae Variant Classification Sherloc (09022015). Collection method: clinical testing. Allele origin: germline.
Comment: In summary, the available evidence is currently insufficient to determine the role of this variant in disease. Therefore, it has been classified as a Variant of Uncertain Significance. Algorithms developed to predict the effect of missense changes on protein structure and function are either unavailable or do not agree on the potential impact of this missense change (SIFT: "Deleterious"; PolyPhen-2: "Probably Damaging"; Align-GVGD: "Class C0"). This variant has not been reported in the literature in individuals with CPA6-related conditions. This variant is not present in population databases (ExAC no frequency). This sequence change replaces leucine with arginine at codon 433 of the CPA6 protein (p.Leu433Arg). The leucine residue is highly conserved and there is a moderate physicochemical difference between leucine and arginine.